The following is an entry in ClinVar:

NM_001164508.2(NEB):c.7645-6dup

Gene: NEB (nebulin; minus strand). Cytogenetic location: 2q23.3.
Variant type: Duplication.
Coding change: c.7645-6dup on transcript NM_001164508.2 (MANE Select); 6 bases into the intron before coding-DNA position 7645, one base duplicated (C; older notation c.7645-6dupC).
Molecular consequence: intron variant.
Genome position (GRCh38, 1-based): chr2:151,644,135, G duplicated on the plus strand (C on the coding strand, the reverse complement: NEB is on the minus strand). VCF-style (leftmost placement, unchanged base first): chr2-151644134-A-AG. GRCh37 (hg19) VCF-style: chr2-152500648-A-AG.
Other names: c.7645-6dup (NM_004543.5, NM_001164507.2, NM_001271208.2).
Identifiers: ClinVar variation 2109050 (VCV002109050.4), dbSNP rs2552247398, ClinGen allele CA2580064057.

ClinVar aggregate classification (germline): Uncertain significance (1 of 4 stars; one submission).

Conditions:
Nemaline myopathy 2 (NEM2). Also called: Nemaline myopathy 2, autosomal recessive. Identifiers: MedGen C1850569, MONDO:0009725, OMIM 256030.

Submission:

Labcorp Genetics (formerly Invitae), Labcorp
Classification: Uncertain significance for Nemaline myopathy 2. Last evaluated: 2022-07-13. Review status: criteria provided, single submitter. Criteria: Invitae Variant Classification Sherloc (09022015). Collection method: clinical testing. Allele origin: germline.
Comment: This sequence change falls in intron 56 of the NEB gene. It does not directly change the encoded amino acid sequence of the NEB protein. This variant is not present in population databases (gnomAD no frequency). This variant has not been reported in the literature in individuals affected with NEB-related conditions. Experimental studies and prediction algorithms are not available or were not evaluated, and the effect of this variant on mRNA splicing is currently unknown. In summary, the available evidence is currently insufficient to determine the role of this variant in disease. Therefore, it has been classified as a Variant of Uncertain Significance.